The following is an entry in ClinVar:

NM_003238.6(TGFB2):c.-6T>A

Gene: TGFB2 (transforming growth factor beta 2; plus strand). Cytogenetic location: 1q41.
Variant type: single nucleotide variant.
Coding change: c.-6T>A on transcript NM_003238.6 (MANE Select); 6 bases upstream of the start codon, T replaced by A.
Molecular consequence: 5 prime UTR variant. On other transcripts: non-coding transcript variant (2).
Genome position (GRCh38, 1-based): chr1:218,346,696, T>A. VCF-style: chr1-218346696-T-A. GRCh37 (hg19) VCF-style: chr1-218520038-T-A.
Other names: c.-6T>A (NM_001135599.4).
Identifiers: ClinVar variation 378723 (VCV000378723.1), dbSNP rs772514115, ClinGen allele CA1398356.

ClinVar aggregate classification (germline): Likely benign (1 of 4 stars; one submission).

Allele frequency attached by ClinVar (database versions not stated): gnomAD 0.00004; TOPMed 0.00004; gnomAD exomes 0.00006 and 0.00008; ExAC 0.00011.
gnomAD v4.1: 92 of 1,571,148 alleles (0.0059%); highest among the groups gnomAD compares: Middle Eastern, 0.017%; no homozygotes.

Submission:

GeneDx
Classification: Likely benign. Last evaluated: 2016-10-12. Review status: criteria provided, single submitter. Criteria: GeneDx Variant Classification (06012015). Collection method: clinical testing. Allele origin: germline. Affected: yes.
Comment: This variant is considered likely benign or benign based on one or more of the following criteria: it is a conservative change, it occurs at a poorly conserved position in the protein, it is predicted to be benign by multiple in silico algorithms, and/or has population frequency not consistent with disease.